The following is an entry in ClinVar:

ClinVar aggregate classification (germline): Likely benign (1 of 4 stars; one submission).

gnomAD v4.1: 5 of 342,724 alleles (0.0015%); highest among the groups gnomAD compares: Non-Finnish European, 0.0021%; no homozygotes.

Submission:

CeGaT Center for Human Genetics Tuebingen
Classification: Likely benign. Last evaluated: 2025-11-01. Review status: criteria provided, single submitter. Criteria: CeGaT Center For Human Genetics Tuebingen Variant Classification Criteria Version 2. Collection method: clinical testing. Allele origin: germline. Affected: yes. Observed: 1 variant allele.
Comment: KCNN2: BP4, BP7

NM_021614.4(KCNN2):c.288C>T (p.Gly96=)

Gene: KCNN2 (potassium calcium-activated channel subfamily N member 2; plus strand). Cytogenetic location: 5q22.3.
Variant type: single nucleotide variant.
Coding change: c.288C>T on transcript NM_021614.4 (MANE Select); coding-DNA position 288, C replaced by T.
Protein change: p.Gly96=; no amino-acid change (glycine 96 retained).
Molecular consequence: synonymous variant. On other transcripts: non-coding transcript variant (1).
Genome position (GRCh38, 1-based): chr5:114,362,427, C>T. VCF-style: chr5-114362427-C-T. GRCh37 (hg19) VCF-style: chr5-113698124-C-T.
Other names: c.486C>T, p.Gly162= (NM_001372233.1).
Identifiers: ClinVar variation 4534240 (VCV004534240.6).
Genomic context (GRCh38, chr5:114,362,427, plus strand): 5'-TGCCCCGGCGGCGGGGGCGGGAGATAACCTGTCCCTGCTGCTCCGCACCTCCTCGCCCGG[C>T]GGCGCCTTCCGGACCCGCACCTCCTCGCCGCTGTCGGGCTCGTCCTGCTGCTGCTGCTGC-3'
Protein context (NP_067627.3, residues 86-106): LSLLLRTSSP[Gly96=]GAFRTRTSSP